The following is an entry in ClinVar:

ClinVar aggregate classification (germline): Uncertain significance (1 of 4 stars; one submission).

Conditions:
CFAP410-related disorder. Also called: CFAP410-related condition.

Submission:

PreventionGenetics, part of Exact Sciences
Classification: Uncertain significance for CFAP410-related condition. Last evaluated: 2023-04-12. Review status: criteria provided, single submitter. Criteria: ACMG Guidelines, 2015. Collection method: clinical testing. Allele origin: germline.
Comment: The CFAP410 c.656_665dup10 variant is predicted to result in a frameshift and premature protein termination (p.Ala223Argfs*38). To our knowledge, this variant has not been reported in the literature. This variant is reported in 0.012% of alleles in individuals of European (Non-Finnish) descent in gnomAD. This variant is intronic in other transcripts of CFAP410. At this time, the clinical significance of this variant is uncertain due to the absence of conclusive functional and genetic evidence.

NM_004928.3(CFAP410):c.642+17_642+26dup

Gene: CFAP410 (cilia and flagella associated protein 410; minus strand). Cytogenetic location: 21q22.3.
Variant type: Duplication.
Coding change: c.642+17_642+26dup on transcript NM_004928.3 (MANE Select); bases 17 to 26 of the intron after coding-DNA position 642, 10 bases duplicated (TAGGGGCCGC; older notation c.642+17_642+26dupTAGGGGCCGC).
Molecular consequence: intron variant. On other transcripts: frameshift variant (1).
Genome position (GRCh38, 1-based): chr21:44,330,797-44,330,806, GCGGCCCCTA duplicated on the plus strand (TAGGGGCCGC on the coding strand, the reverse complement: CFAP410 is on the minus strand); duplicating any 10 consecutive bases within chr21:44,330,797-44,330,813 gives the same sequence; the c. name uses the placement nearest the transcript's 3' end. VCF-style (leftmost placement, unchanged base first): chr21-44330796-C-CGCGGCCCCTA. GRCh37 (hg19) VCF-style: chr21-45750679-C-CGCGGCCCCTA.
Other names: c.656_665dup, p.Ala223fs (NM_001271441.2); c.639+17_639+26dup (NM_001271440.2); c.516+17_516+26dup (NM_001271442.1); short protein forms A223fs.
Identifiers: ClinVar variation 2634372 (VCV002634372.1), dbSNP rs763377713, ClinGen allele CA10053565.